The following is an entry in ClinVar:

NM_017617.5(NOTCH1):c.6433T>C (p.Tyr2145His)

Gene: NOTCH1 (notch receptor 1; minus strand). Cytogenetic location: 9q34.3.
Variant type: single nucleotide variant.
Coding change: c.6433T>C on transcript NM_017617.5 (MANE Select); coding-DNA position 6433, T replaced by C.
Protein change: p.Tyr2145His; replaces tyrosine 2145 with histidine.
Molecular consequence: missense variant.
Genome position (GRCh38, 1-based): chr9:136,497,306, A>G on the plus strand (T>C on the coding strand, the complement: NOTCH1 is on the minus strand). VCF-style: chr9-136497306-A-G. GRCh37 (hg19) VCF-style: chr9-139391758-A-G.
Other names: short protein forms Y2145H.
Identifiers: ClinVar variation 1753508 (VCV001753508.3), dbSNP rs2133318625, ClinGen allele CA375631744.

ClinVar aggregate classification (germline): Uncertain significance. Review status: criteria provided, multiple submitters, no conflicts (2 of 4 stars). 2 submissions from 2 submitters: Uncertain significance (2). Last evaluated 2025-07-28.

Conditions:
Familial thoracic aortic aneurysm and aortic dissection (TAAD). Also called: Thoracic aortic aneurysms and dissections. Identifiers: Orphanet 91387, MedGen C4707243, MONDO:0019625.

Submissions (2):

GeneDx
Classification: Uncertain significance. Last evaluated: 2025-07-28. Review status: criteria provided, single submitter. Criteria: GeneDx Variant Classification Process June 2021. Collection method: clinical testing. Allele origin: germline. Affected: yes.
Comment: Not observed at significant frequency in large population cohorts (gnomAD); In silico analysis supports that this missense variant has a deleterious effect on protein structure/function; Has not been previously published as pathogenic or benign to our knowledge

Ambry Genetics
Classification: Uncertain significance for Familial thoracic aortic aneurysm and aortic dissection. Last evaluated: 2022-10-03. Review status: criteria provided, single submitter. Criteria: Ambry Variant Classification Scheme 2023. Collection method: clinical testing. Allele origin: germline.
Comment: The p.Y2145H variant (also known as c.6433T>C), located in coding exon 34 of the NOTCH1 gene, results from a T to C substitution at nucleotide position 6433. The tyrosine at codon 2145 is replaced by histidine, an amino acid with similar properties. This amino acid position is conserved. In addition, the in silico prediction for this alteration is inconclusive. Since supporting evidence is limited at this time, the clinical significance of this alteration remains unclear.